The following is an entry in ClinVar:

ClinVar aggregate classification (germline): Likely benign (1 of 4 stars; one submission).

gnomAD v4.1: 44 of 1,610,386 alleles (0.0027%); highest among the groups gnomAD compares: African/African-American, 0.055%; no homozygotes.

Submission:

Women's Health and Genetics/Laboratory Corporation of America, LabCorp
Classification: Likely benign. Last evaluated: 2024-07-12. Review status: criteria provided, single submitter. Criteria: LabCorp Variant Classification Summary - May 2015. Collection method: clinical testing. Allele origin: germline.
Comment: Variant summary: VWF c.6598+18C>T alters a non-conserved nucleotide located at a position not widely known to affect splicing. Consensus agreement among computation tools predict no significant impact on normal splicing. However, these predictions have yet to be confirmed by functional studies. The variant allele was found at a frequency of 2.7e-05 in 1603426 control chromosomes (gnomnAD v4.1). To our knowledge, no occurrence of c.6598+18C>T in individuals affected with Von Willebrand Disease and no experimental evidence demonstrating its impact on protein function have been reported. No submitters have cited clinical-significance assessments for this variant to ClinVar. Based on the evidence outlined above, the variant was classified as likely benign.

NM_000552.5(VWF):c.6598+18C>T

Gene: VWF (von Willebrand factor; minus strand). Cytogenetic location: 12p13.31.
Variant type: single nucleotide variant.
Coding change: c.6598+18C>T on transcript NM_000552.5 (MANE Select); 18 bases into the intron after coding-DNA position 6598, C replaced by T.
Molecular consequence: intron variant.
Genome position (GRCh38, 1-based): chr12:5,993,844, G>A on the plus strand (C>T on the coding strand, the complement: VWF is on the minus strand). VCF-style: chr12-5993844-G-A. GRCh37 (hg19) VCF-style: chr12-6103010-G-A.
Identifiers: ClinVar variation 3338903 (VCV003338903.1).